The following is an entry in ClinVar:

ClinVar aggregate classification (germline): Benign/Likely benign. Review status: criteria provided, multiple submitters, no conflicts (2 of 4 stars). 6 submissions from 6 submitters: Benign (2); Likely benign (1). 3 of the submissions do not count toward it. Last evaluated 2026-01-27.

Conditions:
ZBTB20-related disorder. Also called: ZBTB20-related condition.

Allele frequency attached by ClinVar (database versions not stated): gnomAD exomes 0.00067 and 0.00177; ExAC 0.00281; gnomAD 0.00732 and 0.00790; 1000 Genomes Project 0.00739; 1000 Genomes Project 30x 0.00796; TOPMed 0.00822; ESP Exome Variant Server 0.00898.
gnomAD v4.1: 2,061 of 1,536,970 alleles (0.13%); highest among the groups gnomAD compares: African/African-American, 2.6%; 18 homozygotes.

Submissions (6):

Labcorp Genetics (formerly Invitae), Labcorp
Classification: Benign. Last evaluated: 2026-01-27. Review status: criteria provided, single submitter. Criteria: Invitae Variant Classification Sherloc (09022015). Collection method: clinical testing. Allele origin: germline.

Blueprint Genetics
Classification: Likely benign. Last evaluated: 2024-07-09. Review status: criteria provided, single submitter. Criteria: ACMG Guidelines, 2015. Collection method: clinical testing. Allele origin: germline.

Breakthrough Genomics
Classification: Benign. Review status: criteria provided, single submitter. Criteria: ACMG Guidelines, 2015. Collection method: not provided. Allele origin: germline. Inheritance: Autosomal dominant inheritance. Affected: yes.

PreventionGenetics, part of Exact Sciences
Classification: Benign for ZBTB20-related condition. Last evaluated: 2019-12-26. Review status: no assertion criteria provided. Collection method: clinical testing. Allele origin: germline. Not counted in ClinVar's aggregate classification.
Comment: This variant is classified as benign based on ACMG/AMP sequence variant interpretation guidelines (Richards et al. 2015 PMID: 25741868, with internal and published modifications).

Clinical Genetics DNA and cytogenetics Diagnostics Lab, Erasmus MC, Erasmus Medical Center
Classification: Benign. Review status: no assertion criteria provided. Collection method: clinical testing. Allele origin: germline. Affected: yes. Study: VKGL Data-share Consensus. Not counted in ClinVar's aggregate classification.

Laboratory of Diagnostic Genome Analysis, Leiden University Medical Center (LUMC)
Classification: Likely benign. Review status: no assertion criteria provided. Collection method: clinical testing. Allele origin: germline. Affected: yes. Study: VKGL Data-share Consensus. Not counted in ClinVar's aggregate classification.

NM_001348800.3(ZBTB20):c.154A>G (p.Thr52Ala)

Genes: ZBTB20 (zinc finger and BTB domain containing 20; minus strand), ZBTB20-AS1 (ZBTB20 antisense RNA 1; plus strand). Cytogenetic location: 3q13.31.
Variant type: single nucleotide variant.
Coding change: c.154A>G on transcript NM_001348800.3 (MANE Select); coding-DNA position 154, A replaced by G.
Protein change: p.Thr52Ala; replaces threonine 52 with alanine.
Molecular consequence: missense variant. On other transcripts: 5 prime UTR variant (12), non-coding transcript variant (1).
Genome position (GRCh38, 1-based): chr3:114,380,262, T>C on the plus strand (A>G on the coding strand, the complement: ZBTB20 is on the minus strand). VCF-style: chr3-114380262-T-C. GRCh37 (hg19) VCF-style: chr3-114099109-T-C.
Other names: c.154A>G, p.Thr52Ala (NM_001164342.2, NM_001348803.3, NM_001393393.1 and 1 more transcripts); c.-66A>G (NM_001164343.2, NM_001164344.4, NM_001164345.4 and 9 more transcripts); short protein forms T52A.
Identifiers: ClinVar variation 731901 (VCV000731901.16), dbSNP rs72950611, ClinGen allele CA2551474.